The following is an entry in ClinVar:

ClinVar aggregate classification (germline): Benign/Likely benign. Review status: criteria provided, multiple submitters, no conflicts (2 of 4 stars). 3 submissions from 3 submitters: Benign (2); Likely benign (1). Last evaluated 2026-01-06.

Conditions:
Hypogonadotropic hypogonadism 1 with or without anosmia (HH1). Also called: KAL1-Related GnRH Deficiency (Kallmann Syndrome 1; Kallmann Syndrome, X-Linked); HYPOGONADOTROPIC HYPOGONADISM 1 WITH ANOSMIA; DYSPLASIA OLFACTOGENITALIS OF DE MORSIER; Hypogonadotropic hypogonadism 1 with or without anosmia (Kallmann syndrome 1); Kallmann syndrome, type 1, X-linked; HYPOGONADOTROPIC HYPOGONADISM AND ANOSMIA. Identifiers: Orphanet 478, MedGen C1563719, MONDO:0010635, OMIM 308700. Disease mechanism: loss of function.

Allele frequency attached by ClinVar (database versions not stated): gnomAD exomes 0.00098 and 0.00164; gnomAD 0.00112 and 0.00115; TOPMed 0.00115; ExAC 0.00143; ESP Exome Variant Server 0.00170.
gnomAD v4.1: 1,270 of 1,198,519 alleles (0.11%); highest among the groups gnomAD compares: Non-Finnish European, 0.031%; 11 homozygotes.

Submissions (3):

Labcorp Genetics (formerly Invitae), Labcorp
Classification: Benign for Hypogonadotropic hypogonadism 1 with or without anosmia. Last evaluated: 2026-01-06. Review status: criteria provided, single submitter. Criteria: Invitae Variant Classification Sherloc (09022015). Collection method: clinical testing. Allele origin: germline.

Blueprint Genetics
Classification: Benign. Last evaluated: 2024-11-26. Review status: criteria provided, single submitter. Criteria: ACMG Guidelines, 2015. Collection method: clinical testing. Allele origin: germline.

GeneDx
Classification: Likely benign. Last evaluated: 2020-06-30. Review status: criteria provided, single submitter. Criteria: GeneDx Variant Classification Process June 2021. Collection method: clinical testing. Allele origin: germline. Affected: yes.
Comment: This variant is associated with the following publications: (PMID: 20696889, 23643382)

NM_000216.4(ANOS1):c.1627G>A (p.Val543Ile)

Gene: ANOS1 (anosmin 1; minus strand). Cytogenetic location: Xp22.31.
Variant type: single nucleotide variant.
Coding change: c.1627G>A on transcript NM_000216.4 (MANE Select); coding-DNA position 1627, G replaced by A.
Protein change: p.Val543Ile; replaces valine 543 with isoleucine.
Molecular consequence: missense variant.
Genome position (GRCh38, 1-based): chrX:8,535,806, C>T on the plus strand (G>A on the coding strand, the complement: ANOS1 is on the minus strand). VCF-style: chrX-8535806-C-T. GRCh37 (hg19) VCF-style: chrX-8503847-C-T.
Other names: short protein forms V543I.
Identifiers: ClinVar variation 463526 (VCV000463526.14), dbSNP rs149299309, ClinGen allele CA10343571.